The following is an entry in ClinVar:

NM_017780.4(CHD7):c.4087C>T (p.Leu1363Phe)

Gene: CHD7 (chromodomain helicase DNA binding protein 7; plus strand). Cytogenetic location: 8q12.2.
Variant type: single nucleotide variant.
Coding change: c.4087C>T on transcript NM_017780.4 (MANE Select); coding-DNA position 4087, C replaced by T.
Protein change: p.Leu1363Phe; replaces leucine 1363 with phenylalanine.
Molecular consequence: missense variant. On other transcripts: intron variant (1).
Genome position (GRCh38, 1-based): chr8:60,836,914, C>T. VCF-style: chr8-60836914-C-T. GRCh37 (hg19) VCF-style: chr8-61749473-C-T.
Other names: c.1717-25315C>T (NM_001316690.1); short protein forms L1363F.
Identifiers: ClinVar variation 4002168 (VCV004002168.1).

ClinVar aggregate classification (germline): Uncertain significance (1 of 4 stars; one submission).

Conditions:
Inborn genetic diseases. Identifiers: MedGen C0950123, MeSH D030342.

gnomAD v4.1: 1 of 1,613,820 alleles (0.000062%); highest among the groups gnomAD compares: Non-Finnish European, 0.000085%; no homozygotes.

Submission:

Ambry Genetics
Classification: Uncertain significance for Inborn genetic diseases. Last evaluated: 2025-04-15. Review status: criteria provided, single submitter. Criteria: Ambry Variant Classification Scheme 2023. Collection method: clinical testing. Allele origin: germline.
Comment: The c.4087C>T (p.L1363F) alteration is located in exon 17 (coding exon 16) of the CHD7 gene. This alteration results from a C to T substitution at nucleotide position 4087, causing the leucine (L) at amino acid position 1363 to be replaced by a phenylalanine (F). This variant was not reported in population-based cohorts in the Genome Aggregation Database (gnomAD). This amino acid position is highly conserved in available vertebrate species. This missense alteration is located in a region that has a low rate of benign missense variation (Lek, 2016; Firth, 2009). This alteration is predicted to be deleterious by in silico analysis. Based on insufficient or conflicting evidence, the clinical significance of this alteration remains unclear.